The following is an entry in ClinVar:

ClinVar aggregate classification (germline): Benign (1 of 4 stars; one submission).

Conditions:
Sjögren-Larsson syndrome (SLS). Also called: FALDH DEFICIENCY; FATTY ALCOHOL:NAD+ OXIDOREDUCTASE DEFICIENCY; FATTY ALDEHYDE DEHYDROGENASE DEFICIENCY; ICHTHYOSIS, SPASTIC NEUROLOGIC DISORDER, AND OLIGOPHRENIA. Identifiers: Orphanet 816, MedGen C0037231, MONDO:0010031, OMIM 270200.

Allele frequency attached by ClinVar (database versions not stated): gnomAD 0.00879; 1000 Genomes Project 0.00899; TOPMed 0.00980; 1000 Genomes Project 30x 0.00999.

Submission:

Illumina Laboratory Services, Illumina
Classification: Benign for Sjögren-Larsson syndrome. Last evaluated: 2018-01-13. Review status: criteria provided, single submitter. Criteria: ICSL Variant Classification Criteria 13 December 2019. Collection method: clinical testing. Allele origin: germline.
Comment: This variant was observed in the ICSL laboratory as part of a predisposition screen in an ostensibly healthy population. It had not been previously curated by ICSL or reported in the Human Gene Mutation Database (HGMD: prior to June 1st, 2018), and was therefore a candidate for classification through an automated scoring system. Utilizing variant allele frequency, disease prevalence and penetrance estimates, and inheritance mode, an automated score was calculated to assess if this variant is too frequent to cause the disease. Based on the score and internal cut-off values, a variant classified as benign is not then subjected to further curation. The score for this variant resulted in a classification of benign for this disease.

NM_000382.3(ALDH3A2):c.*694C>T

Gene: ALDH3A2 (aldehyde dehydrogenase 3 family member A2; plus strand). Cytogenetic location: 17p11.2.
Variant type: single nucleotide variant.
Coding change: c.*694C>T on transcript NM_000382.3 (MANE Select); 694 bases downstream of the stop codon, C replaced by T.
Molecular consequence: 3 prime UTR variant.
Genome position (GRCh38, 1-based): chr17:19,676,266, C>T. VCF-style: chr17-19676266-C-T. GRCh37 (hg19) VCF-style: chr17-19579579-C-T.
Other names: c.*750C>T (NM_001031806.2, NM_001369136.1, NM_001369137.2); c.*694C>T (NM_001369138.2, NM_001369139.1, NM_001369148.2); c.*641C>T (NM_001369146.2).
Identifiers: ClinVar variation 322228 (VCV000322228.5), dbSNP rs115101384, ClinGen allele CA10645062.
Genomic context (GRCh38, chr17:19,676,266, plus strand): 5'-AGTTGCAACAATCTCTTGTGACTAATGTCACTCAAAGCATCTTGTAAATCCTAGGGCTTC[C>T]TGGAAGTTAGTTGCCAAAGTCATGCAAGCATCACCTGTCATTCTTGTGTTGGAGTTATAG-3'